The following is an entry in ClinVar:

ClinVar aggregate classification (germline): Uncertain significance (1 of 4 stars; one submission).

Conditions:
Hereditary cancer-predisposing syndrome. Also called: Hereditary Cancer Syndrome; Hereditary neoplastic syndrome; Neoplastic Syndromes, Hereditary; Tumor predisposition. Identifiers: Orphanet 140162, MedGen C0027672, MeSH D009386, MONDO:0015356.

Submission:

Sema4
Classification: Uncertain significance for Hereditary cancer-predisposing syndrome. Last evaluated: 2021-12-28. Review status: criteria provided, single submitter. Criteria: Sema4 Curation Guidelines. Collection method: curation. Allele origin: germline.
Comment: The NF1 c.4165T>G (p.F1389V) variant has not been reported in the literature to our knowledge. It was not observed in the large and broad cohorts of the Genome Aggregation Database (PMID: 32461654). This variant has not been reported in ClinVar. In silico tools suggest the impact of the variant on protein function is deleterious, though these predictions have not been confirmed by functional studies. The evidence is insufficient to meet ACMG/AMP criteria for classifying the variant as benign or pathogenic. Thus, the clinical significance of this variant is currently uncertain.

NM_001042492.3(NF1):c.4228T>G (p.Phe1410Val)

Gene: NF1 (neurofibromin 1; plus strand). Cytogenetic location: 17q11.2.
Variant type: single nucleotide variant.
Coding change: c.4228T>G on transcript NM_001042492.3 (MANE Select); coding-DNA position 4228, T replaced by G.
Protein change: p.Phe1410Val; replaces phenylalanine 1410 with valine.
Molecular consequence: missense variant.
Genome position (GRCh38, 1-based): chr17:31,258,398, T>G. VCF-style: chr17-31258398-T-G. GRCh37 (hg19) VCF-style: chr17-29585416-T-G.
Other names: c.4165T>G, p.Phe1389Val (NM_000267.4); short protein forms F1389V, F1410V.
Identifiers: ClinVar variation 1692335 (VCV001692335.1), dbSNP rs2151461937, ClinGen allele CA398997810.
Genomic context (GRCh38, chr17:31,258,398, plus strand): 5'-TTTTAGGTGGTTAGCCAGCGTTTCCCTCAGAACAGCATCGGTGCAGTAGGAAGTGCCATG[T>G]TCCTCAGATTTATCAATCCTGCCATTGTCTCACCGTATGAAGCAGGGATTTTAGATAAAA-3'
Protein context (NP_001035957.1, residues 1400-1420): NSIGAVGSAM[Phe1410Val]LRFINPAIVS